The following is an entry in ClinVar:

ClinVar aggregate classification (germline): Uncertain significance. Review status: criteria provided, multiple submitters, no conflicts (2 of 4 stars). 3 submissions from 3 submitters: Uncertain significance (3). Last evaluated 2025-10-13.

Conditions:
Hereditary cancer-predisposing syndrome. Also called: Neoplastic Syndromes, Hereditary; Tumor predisposition; Hereditary neoplastic syndrome; Hereditary Cancer Syndrome. Identifiers: Orphanet 140162, MedGen C0027672, MeSH D009386, MONDO:0015356.
Gorlin syndrome. Also called: Basal cell nevus syndrome; Nevoid Basal Cell Carcinoma Syndrome. Identifiers: Orphanet 377, MedGen C0004779, MONDO:0007187.

gnomAD v4.1: 7 of 1,613,532 alleles (0.00043%); highest among the groups gnomAD compares: Non-Finnish European, 0.00059%; no homozygotes.

Submissions (3):

Labcorp Genetics (formerly Invitae), Labcorp
Classification: Uncertain significance for Gorlin syndrome. Last evaluated: 2025-10-13. Review status: criteria provided, single submitter. Criteria: Invitae Variant Classification Sherloc (09022015). Collection method: clinical testing. Allele origin: germline.
Comment: This sequence change replaces phenylalanine, which is neutral and non-polar, with serine, which is neutral and polar, at codon 533 of the PTCH1 protein (p.Phe533Ser). This variant is not present in population databases (gnomAD no frequency). This variant has not been reported in the literature in individuals affected with PTCH1-related conditions. ClinVar contains an entry for this variant (Variation ID: 524594). Invitae Evidence Modeling of protein sequence and biophysical properties (such as structural, functional, and spatial information, amino acid conservation, physicochemical variation, residue mobility, and thermodynamic stability) has been performed for this missense variant. However, the output from this modeling did not meet the statistical confidence thresholds required to predict the impact of this variant on PTCH1 protein function. In summary, the available evidence is currently insufficient to determine the role of this variant in disease. Therefore, it has been classified as a Variant of Uncertain Significance.

Ambry Genetics
Classification: Uncertain significance for Hereditary cancer-predisposing syndrome. Last evaluated: 2025-04-19. Review status: criteria provided, single submitter. Criteria: Ambry Variant Classification Scheme 2023. Collection method: clinical testing. Allele origin: germline.
Comment: The p.F533S variant (also known as c.1598T>C), located in coding exon 11 of the PTCH1 gene, results from a T to C substitution at nucleotide position 1598. The phenylalanine at codon 533 is replaced by serine, an amino acid with highly dissimilar properties. This amino acid position is conserved. In addition, this alteration is predicted to be deleterious by in silico analysis. Since supporting evidence is limited at this time, the clinical significance of this alteration remains unclear.

GeneDx
Classification: Uncertain significance. Last evaluated: 2023-09-07. Review status: criteria provided, single submitter. Criteria: GeneDx Variant Classification Process June 2021. Collection method: clinical testing. Allele origin: germline. Affected: yes.
Comment: Not observed at significant frequency in large population cohorts (gnomAD); In silico analysis supports that this missense variant has a deleterious effect on protein structure/function; Has not been previously published as pathogenic or benign to our knowledge; This variant is associated with the following publications: (PMID: 11369205)

NM_000264.5(PTCH1):c.1598T>C (p.Phe533Ser)

Gene: PTCH1 (patched 1; minus strand). Cytogenetic location: 9q22.32.
Variant type: single nucleotide variant.
Coding change: c.1598T>C on transcript NM_000264.5 (MANE Select); coding-DNA position 1598, T replaced by C.
Protein change: p.Phe533Ser; replaces phenylalanine 533 with serine.
Molecular consequence: missense variant. On other transcripts: non-coding transcript variant (1).
Genome position (GRCh38, 1-based): chr9:95,476,763, A>G on the plus strand (T>C on the coding strand, the complement: PTCH1 is on the minus strand). VCF-style: chr9-95476763-A-G. GRCh37 (hg19) VCF-style: chr9-98239045-A-G.
Other names: c.1400T>C, p.Phe467Ser (NM_001083602.3); c.1595T>C, p.Phe532Ser (NM_001083603.3); c.1145T>C, p.Phe382Ser (NM_001083604.3, NM_001083605.3, NM_001083606.3 and 1 more transcripts); c.1442T>C, p.Phe481Ser (NM_001354918.2); short protein forms F533S, F467S, F382S, F481S, F532S.
Identifiers: ClinVar variation 524594 (VCV000524594.18), dbSNP rs1318015818, ClinGen allele CA374118154.